The following is an entry in ClinVar:

NM_001322934.2(NFKB2):c.710C>T (p.Ala237Val)

Genes: NFKB2 (nuclear factor kappa B subunit 2; plus strand), LOC121815964 (Sharpr-MPRA regulatory region 13585; plus strand). Cytogenetic location: 10q24.32.
Variant type: single nucleotide variant.
Coding change: c.710C>T on transcript NM_001322934.2 (MANE Select); coding-DNA position 710, C replaced by T.
Protein change: p.Ala237Val; replaces alanine 237 with valine.
Molecular consequence: missense variant.
Genome position (GRCh38, 1-based): chr10:102,398,029, C>T. VCF-style: chr10-102398029-C-T. GRCh37 (hg19) VCF-style: chr10-104157786-C-T.
Other names: c.710C>T, p.Ala237Val (NM_001077493.1, NM_001077494.3, NM_001261403.3 and 3 more transcripts); short protein forms A237V.
Identifiers: ClinVar variation 1965649 (VCV001965649.7), dbSNP rs1655676565, ClinGen allele CA377897328.

ClinVar aggregate classification (germline): Uncertain significance. Review status: criteria provided, multiple submitters, no conflicts (2 of 4 stars). 2 submissions from 2 submitters: Uncertain significance (2). Last evaluated 2025-02-18.

Conditions:
Immunodeficiency, common variable, 10. Also called: IMMUNODEFICIENCY, COMMON VARIABLE, WITH CENTRAL ADRENAL INSUFFICIENCY; DEFICIT IN ANTERIOR PITUITARY FUNCTION AND VARIABLE IMMUNODEFICIENCY. Identifiers: MedGen C3809991, MONDO:0014260, OMIM 615577.

Submissions (2):

Dasa
Classification: Uncertain significance. Last evaluated: 2025-02-18. Review status: criteria provided, single submitter. Criteria: DASA Assertion Criteria. Collection method: clinical testing. Allele origin: germline.
Comment: NM_001322934.2(NFKB2):c.710C>T (p.Ala237Val) is a missense variant that results in the substitution of alanine with valine. This variant is absent from population databases. Computational prediction algorithms are consistent with a benign effect. The currently available literature and clinical evidence are not sufficient to establish a definitive association between this variant and the reported condition. Therefore, this variant is classified as a variant of uncertain significance.

Labcorp Genetics (formerly Invitae), Labcorp
Classification: Uncertain significance for Immunodeficiency, common variable, 10. Last evaluated: 2022-06-15. Review status: criteria provided, single submitter. Criteria: Invitae Variant Classification Sherloc (09022015). Collection method: clinical testing. Allele origin: germline.
Comment: In summary, the available evidence is currently insufficient to determine the role of this variant in disease. Therefore, it has been classified as a Variant of Uncertain Significance. Algorithms developed to predict the effect of missense changes on protein structure and function are either unavailable or do not agree on the potential impact of this missense change (SIFT: "Deleterious"; PolyPhen-2: "Benign"; Align-GVGD: "Class C0"). This variant has not been reported in the literature in individuals affected with NFKB2-related conditions. This variant is not present in population databases (gnomAD no frequency). This sequence change replaces alanine, which is neutral and non-polar, with valine, which is neutral and non-polar, at codon 237 of the NFKB2 protein (p.Ala237Val).